The following is an entry in ClinVar:

ClinVar aggregate classification (germline): Uncertain significance (1 of 4 stars; one submission).

Allele frequency attached by ClinVar (database versions not stated): gnomAD exomes below 0.00001.
gnomAD v4.1: 1 of 1,614,118 alleles (0.000062%); highest among the groups gnomAD compares: Non-Finnish European, 0.000085%; no homozygotes.

Submission:

Labcorp Genetics (formerly Invitae), Labcorp
Classification: Uncertain significance. Last evaluated: 2021-06-01. Review status: criteria provided, single submitter. Criteria: Invitae Variant Classification Sherloc (09022015). Collection method: clinical testing. Allele origin: germline.
Comment: This variant has not been reported in the literature in individuals with NFS1-related conditions. This variant is not present in population databases (ExAC no frequency). This sequence change replaces isoleucine with valine at codon 354 of the NFS1 protein (p.Ile354Val). The isoleucine residue is moderately conserved and there is a small physicochemical difference between isoleucine and valine. In summary, the available evidence is currently insufficient to determine the role of this variant in disease. Therefore, it has been classified as a Variant of Uncertain Significance. Algorithms developed to predict the effect of missense changes on protein structure and function (SIFT, PolyPhen-2, Align-GVGD) all suggest that this variant is likely to be tolerated, but these predictions have not been confirmed by published functional studies and their clinical significance is uncertain.

NM_021100.5(NFS1):c.1060A>G (p.Ile354Val)

Gene: NFS1 (NFS1 cysteine desulfurase; minus strand). Cytogenetic location: 20q11.22.
Variant type: single nucleotide variant.
Coding change: c.1060A>G on transcript NM_021100.5 (MANE Select); coding-DNA position 1060, A replaced by G.
Protein change: p.Ile354Val; replaces isoleucine 354 with valine.
Molecular consequence: missense variant. On other transcripts: non-coding transcript variant (1).
Genome position (GRCh38, 1-based): chr20:35,674,426, T>C on the plus strand (A>G on the coding strand, the complement: NFS1 is on the minus strand). VCF-style: chr20-35674426-T-C. GRCh37 (hg19) VCF-style: chr20-34262348-T-C.
Other names: c.907A>G, p.Ile303Val (NM_001198989.2); short protein forms I354V, I303V.
Identifiers: ClinVar variation 1360977 (VCV001360977.8), dbSNP rs2146413033, ClinGen allele CA408781041.
Genomic context (GRCh38, chr20:35,674,426, plus strand): 5'-CAACGTCCTTCAGTGCCATCAGCAGACTTTCCCCTTCCACATATGCAAAGGAGAGGTTGA[T>C]ACAGCCTGGAGGAAAGAAATACTGTGAGAGAGGTCTCAGAGTCTCAGCCTCTACCAGAAT-3'
Protein context (NP_066923.3, residues 344-364): GDPKHHYPGC[Ile354Val]NLSFAYVEGE